The following is an entry in ClinVar:

NM_000245.4(MET):c.1999_2018del (p.Gly667fs)

Gene: MET (MET proto-oncogene, receptor tyrosine kinase; plus strand). Cytogenetic location: 7q31.2.
Variant type: Deletion.
Coding change: c.1999_2018del on transcript NM_000245.4 (MANE Select); coding-DNA positions 1999 to 2018, 20 bases deleted (GGTCCTATGGCTGGTGGCAC).
Protein change: p.Gly667fs; shifts the reading frame from glycine 667.
Molecular consequence: frameshift variant.
Genome position (GRCh38, 1-based): chr7:116,757,671-116,757,690, GGTCCTATGGCTGGTGGCAC deleted; deleting any 20 consecutive bases within chr7:116,757,669-116,757,690 gives the same sequence; the c. name uses the placement nearest the transcript's 3' end. VCF-style (leftmost placement, unchanged base first): chr7-116757668-TACGGTCCTATGGCTGGTGGC-T. GRCh37 (hg19) VCF-style: chr7-116397722-TACGGTCCTATGGCTGGTGGC-T.
Other names: c.1999_2018del, p.Gly667fs (NM_001127500.3, NM_001324401.3); c.709_728del, p.Gly237fs (NM_001324402.2); short protein forms G237fs, G667fs.
Identifiers: ClinVar variation 1424915 (VCV001424915.6), dbSNP rs2116923507, ClinGen allele CA2573141502.

ClinVar aggregate classification (germline): Uncertain significance (1 of 4 stars; one submission).

Conditions:
Renal cell carcinoma. Identifiers: Orphanet 217071, MedGen C0007134, MeSH D002292, MONDO:0005086, HP:0005584.

Submission:

Labcorp Genetics (formerly Invitae), Labcorp
Classification: Uncertain significance for Renal cell carcinoma. Last evaluated: 2022-10-05. Review status: criteria provided, single submitter. Criteria: Invitae Variant Classification Sherloc (09022015). Collection method: clinical testing. Allele origin: germline.
Comment: This variant has not been reported in the literature in individuals affected with MET-related conditions. In summary, the available evidence is currently insufficient to determine the role of this variant in disease. Therefore, it has been classified as a Variant of Uncertain Significance. ClinVar contains an entry for this variant (Variation ID: 1424915). This variant is not present in population databases (gnomAD no frequency). This sequence change creates a premature translational stop signal (p.Gly667Phefs*15) in the MET gene. It is expected to result in an absent or disrupted protein product. However, the current clinical and genetic evidence is not sufficient to establish whether loss-of-function variants in MET cause disease.